The following is an entry in ClinVar:

NM_001009999.3(KDM1A):c.303A>G (p.Ile101Met)

Gene: KDM1A (lysine demethylase 1A; plus strand). Cytogenetic location: 1p36.12.
Variant type: single nucleotide variant.
Coding change: c.303A>G on transcript NM_001009999.3 (MANE Select); coding-DNA position 303, A replaced by G.
Protein change: p.Ile101Met; replaces isoleucine 101 with methionine.
Molecular consequence: missense variant.
Genome position (GRCh38, 1-based): chr1:23,019,899, A>G. VCF-style: chr1-23019899-A-G. GRCh37 (hg19) VCF-style: chr1-23346392-A-G.
Other names: c.303A>G, p.Ile101Met (NM_001363654.2, NM_001410762.1, NM_001410763.1 and 1 more transcripts); short protein forms I101M.
Identifiers: ClinVar variation 4091081 (VCV004091081.1).

ClinVar aggregate classification (germline): Uncertain significance (1 of 4 stars; one submission).

Conditions:
Inborn genetic diseases. Identifiers: MedGen C0950123, MeSH D030342.

gnomAD v4.1: 3 of 1,572,650 alleles (0.00019%); highest among the groups gnomAD compares: Non-Finnish European, 0.00026%; no homozygotes.

Submission:

Ambry Genetics
Classification: Uncertain significance for Inborn genetic diseases. Last evaluated: 2025-08-01. Review status: criteria provided, single submitter. Criteria: Ambry Variant Classification Scheme 2023. Collection method: clinical testing. Allele origin: germline.
Comment: The p.I101M variant (also known as c.303A>G), located in coding exon 1 of the KDM1A gene, results from an A to G substitution at nucleotide position 303. The isoleucine at codon 101 is replaced by methionine, an amino acid with highly similar properties. This amino acid position is conserved. In addition, this alteration is predicted to be tolerated by in silico analysis. Based on the available evidence, the clinical significance of this variant remains unclear.